The following is an entry in ClinVar:

NM_003401.5(XRCC4):c.584A>G (p.His195Arg)

Gene: XRCC4 (X-ray repair cross complementing 4; plus strand). Cytogenetic location: 5q14.2.
Variant type: single nucleotide variant.
Coding change: c.584A>G on transcript NM_003401.5 (MANE Select); coding-DNA position 584, A replaced by G.
Protein change: p.His195Arg; replaces histidine 195 with arginine.
Molecular consequence: missense variant.
Genome position (GRCh38, 1-based): chr5:83,203,653, A>G. VCF-style: chr5-83203653-A-G. GRCh37 (hg19) VCF-style: chr5-82499472-A-G.
Other names: c.584A>G, p.His195Arg (NM_001131022.1, NM_001318012.3, NM_001318013.2 and 2 more transcripts); short protein forms H195R.
Identifiers: ClinVar variation 2007269 (VCV002007269.4), dbSNP rs1173748737, ClinGen allele CA360358978.

ClinVar aggregate classification (germline): Uncertain significance (1 of 4 stars; one submission).

Allele frequency attached by ClinVar (database versions not stated): gnomAD 0.00001.
gnomAD v4.1: 2 of 1,610,910 alleles (0.00012%); highest among the groups gnomAD compares: African/African-American, 0.0013%; no homozygotes.

Submission:

Labcorp Genetics (formerly Invitae), Labcorp
Classification: Uncertain significance. Last evaluated: 2022-07-27. Review status: criteria provided, single submitter. Criteria: Invitae Variant Classification Sherloc (09022015). Collection method: clinical testing. Allele origin: germline.
Comment: In summary, the available evidence is currently insufficient to determine the role of this variant in disease. Therefore, it has been classified as a Variant of Uncertain Significance. Algorithms developed to predict the effect of missense changes on protein structure and function are either unavailable or do not agree on the potential impact of this missense change (SIFT: "Not Available"; PolyPhen-2: "Probably Damaging"; Align-GVGD: "Not Available"). This variant has not been reported in the literature in individuals affected with XRCC4-related conditions. This variant is present in population databases (no rsID available, gnomAD 0.02%). This sequence change replaces histidine, which is basic and polar, with arginine, which is basic and polar, at codon 195 of the XRCC4 protein (p.His195Arg).